The following is an entry in ClinVar:

ClinVar aggregate classification (germline): Uncertain significance (1 of 4 stars; one submission).

Allele frequency attached by ClinVar (database versions not stated): gnomAD exomes below 0.00001; ExAC 0.00001; TOPMed 0.00002; gnomAD 0.00003.
gnomAD v4.1: 12 of 1,611,580 alleles (0.00074%); highest among the groups gnomAD compares: African/African-American, 0.012%; no homozygotes.

Submission:

Labcorp Genetics (formerly Invitae), Labcorp
Classification: Uncertain significance. Last evaluated: 2022-11-06. Review status: criteria provided, single submitter. Criteria: Invitae Variant Classification Sherloc (09022015). Collection method: clinical testing. Allele origin: germline.
Comment: This sequence change replaces proline, which is neutral and non-polar, with arginine, which is basic and polar, at codon 217 of the DHX37 protein (p.Pro217Arg). This variant is present in population databases (rs564035583, gnomAD 0.01%). This variant has not been reported in the literature in individuals affected with DHX37-related conditions. Advanced modeling of protein sequence and biophysical properties (such as structural, functional, and spatial information, amino acid conservation, physicochemical variation, residue mobility, and thermodynamic stability) performed at Invitae indicates that this missense variant is not expected to disrupt DHX37 protein function. In summary, the available evidence is currently insufficient to determine the role of this variant in disease. Therefore, it has been classified as a Variant of Uncertain Significance.

NM_032656.4(DHX37):c.650C>G (p.Pro217Arg)

Gene: DHX37 (DEAH-box helicase 37; minus strand). Cytogenetic location: 12q24.31.
Variant type: single nucleotide variant.
Coding change: c.650C>G on transcript NM_032656.4 (MANE Select); coding-DNA position 650, C replaced by G.
Protein change: p.Pro217Arg; replaces proline 217 with arginine.
Molecular consequence: missense variant.
Genome position (GRCh38, 1-based): chr12:124,980,578, G>C on the plus strand (C>G on the coding strand, the complement: DHX37 is on the minus strand). VCF-style: chr12-124980578-G-C. GRCh37 (hg19) VCF-style: chr12-125465124-G-C.
Other names: short protein forms P217R.
Identifiers: ClinVar variation 2869067 (VCV002869067.3), dbSNP rs564035583, ClinGen allele CA6872392.